The following is an entry in ClinVar:

ClinVar aggregate classification (germline): Uncertain significance (1 of 4 stars; one submission).

gnomAD v4.1: 1 of 1,614,174 alleles (0.000062%); highest among the groups gnomAD compares: South Asian, 0.0011%; no homozygotes.

Submission:

Labcorp Genetics (formerly Invitae), Labcorp
Classification: Uncertain significance. Last evaluated: 2023-06-28. Review status: criteria provided, single submitter. Criteria: Invitae Variant Classification Sherloc (09022015). Collection method: clinical testing. Allele origin: germline.
Comment: In summary, the available evidence is currently insufficient to determine the role of this variant in disease. Therefore, it has been classified as a Variant of Uncertain Significance. This variant disrupts the triple helix domain of COL7A1. Glycine residues within the Gly-Xaa-Yaa repeats of the triple helix domain are required for the structure and stability of fibrillar collagens (PMID: 7695699, 8218237, 19344236), and variants at these glycine residues in COL7A1 are more frequently observed in individuals with disease than in the general population (PMID: 22058051). However, the clinical significance of this observation remains uncertain since only a limited number of affected individuals have been described to date. Experimental studies and prediction algorithms are not available or were not evaluated, and the functional significance of this variant is currently unknown. This variant has not been reported in the literature in individuals affected with COL7A1-related conditions. This variant is not present in population databases (gnomAD no frequency). This sequence change replaces glycine, which is neutral and non-polar, with aspartic acid, which is acidic and polar, at codon 2153 of the COL7A1 protein (p.Gly2153Asp).

Literature cited by the submitters: PubMed 7695699; PubMed 8218237; PubMed 19344236; PubMed 22058051.

NM_000094.4(COL7A1):c.6458G>A (p.Gly2153Asp)

Gene: COL7A1 (collagen type VII alpha 1 chain; minus strand). Cytogenetic location: 3p21.31.
Variant type: single nucleotide variant.
Coding change: c.6458G>A on transcript NM_000094.4 (MANE Select); coding-DNA position 6458, G replaced by A.
Protein change: p.Gly2153Asp; replaces glycine 2153 with aspartic acid.
Molecular consequence: missense variant.
Genome position (GRCh38, 1-based): chr3:48,574,305, C>T on the plus strand (G>A on the coding strand, the complement: COL7A1 is on the minus strand). VCF-style: chr3-48574305-C-T. GRCh37 (hg19) VCF-style: chr3-48611738-C-T.
Other names: short protein forms G2153D.
Identifiers: ClinVar variation 3022141 (VCV003022141.3), dbSNP rs746545309, ClinGen allele CA352658080.
Genomic context (GRCh38, chr3:48,574,305, plus strand): 5'-CTTCAGCCACCACTCACCGGCTTCCCTTCAGGCCCAGCCATACCACGCTCTCCTGGTAGA[C>T]CCTGCAGAGAATAGGTTTAAGGCCTTAGTTTCCCAGTTCCAACTTCCCCTCCACCCACCA-3'
Protein context (NP_000085.1, residues 2143-2163): PGPRGQDGNP[Gly2153Asp]LPGERGMAGP